The following is an entry in ClinVar:

ClinVar aggregate classification (germline): Uncertain significance (1 of 4 stars; one submission).

Conditions:
Autosomal recessive limb-girdle muscular dystrophy type 2E (LGMDR4). Also called: MUSCULAR DYSTROPHY, LIMB-GIRDLE, AUTOSOMAL RECESSIVE 4. Identifiers: Orphanet 119, MedGen C1858593, MONDO:0011423, OMIM 604286. Disease mechanism: Affects gamma-sarcoglycan and also disrupts the integrity of the entire sarcoglycan complex..

Allele frequency attached by ClinVar (database versions not stated): gnomAD exomes 0.00001.
gnomAD v4.1: 4 of 1,613,770 alleles (0.00025%); highest among the groups gnomAD compares: South Asian, 0.0044%; no homozygotes.

Submission:

Neuberg Centre For Genomic Medicine, NCGM
Classification: Uncertain significance for Autosomal recessive limb-girdle muscular dystrophy type 2E. Review status: criteria provided, single submitter. Criteria: ACMG Guidelines, 2015. Collection method: clinical testing. Allele origin: germline. Inheritance: Autosomal recessive inheritance. Affected: yes.
Comment: The missense variant in c.404T>G in SGCB gene has not been reported previously as a pathogenic variant nor as a benign variant, to our knowledge. The p.Leu135Trp variant is novel (not in any individuals) in gnomAD Exomes and 1000 Genomes. The amino acid Leu at position 135 is changed to a Trp changing protein sequence and it might alter its composition and physico-chemical properties. The amino acid change p.Leu135Trp in SGCB is predicted as conserved by GERP++ and PhyloP across 100 vertebrates. For these reasons, this variant has been classified as Uncertain Significance (VUS).

NM_000232.5(SGCB):c.404T>G (p.Leu135Trp)

Gene: SGCB (sarcoglycan beta; minus strand). Cytogenetic location: 4q12.
Variant type: single nucleotide variant.
Coding change: c.404T>G on transcript NM_000232.5 (MANE Select); coding-DNA position 404, T replaced by G.
Protein change: p.Leu135Trp; replaces leucine 135 with tryptophan.
Molecular consequence: missense variant.
Genome position (GRCh38, 1-based): chr4:52,029,703, A>C on the plus strand (T>G on the coding strand, the complement: SGCB is on the minus strand). VCF-style: chr4-52029703-A-C. GRCh37 (hg19) VCF-style: chr4-52895869-A-C.
Other names: short protein forms L135W.
Identifiers: ClinVar variation 2584797 (VCV002584797.1), dbSNP rs2475223506, ClinGen allele CA356877173.